The following is an entry in ClinVar:

ClinVar aggregate classification (germline): Likely pathogenic (1 of 4 stars; one submission).

Conditions:
Familial cancer of breast. Also called: hereditary breast carcinoma; BREAST CANCER, FAMILIAL; Hereditary breast cancer. Identifiers: Orphanet 227535, MedGen C0346153, MONDO:0016419, OMIM 114480. Disease mechanism: loss of function.

Submission:

Myriad Genetics, Inc.
Classification: Likely pathogenic for Familial cancer of breast. Last evaluated: 2024-01-30. Review status: criteria provided, single submitter. Criteria: Myriad Autosomal Dominant, Autosomal Recessive and X-Linked Classification Criteria (2023). Collection method: clinical testing. Allele origin: unknown.
Comment: This variant is considered likely pathogenic. This variant occurs within a consensus splice junction and is predicted to result in abnormal mRNA splicing of either an out-of-frame exon or an in-frame exon necessary for protein stability and/or normal function.

NM_000051.4(ATM):c.6573-2del

Genes: ATM (ATM serine/threonine kinase; plus strand), C11orf65 (chromosome 11 open reading frame 65; minus strand). Cytogenetic location: 11q22.3.
Variant type: Deletion.
Coding change: c.6573-2del on transcript NM_000051.4 (MANE Select); the canonical splice acceptor site of the intron before coding-DNA position 6573, one base deleted (A; older notation c.6573-2delA).
Molecular consequence: splice acceptor variant. On other transcripts: intron variant (2).
Genome position (GRCh38, 1-based): chr11:108,325,308, A deleted. VCF-style (leftmost placement, unchanged base first): chr11-108325307-CA-C. GRCh37 (hg19) VCF-style: chr11-108196034-CA-C.
Other names: c.6573-2del (NM_001351834.2); c.641-16237del (NM_001330368.2); c.*38+9912del (NM_001351110.2).
Identifiers: ClinVar variation 3148523 (VCV003148523.1), dbSNP rs2547199342, ClinGen allele CA2825001929.